The following is an entry in ClinVar:

NM_021831.6(AGBL5):c.2089+35C>T

Gene: AGBL5 (AGBL carboxypeptidase 5; plus strand). Cytogenetic location: 2p23.3.
Variant type: single nucleotide variant.
Coding change: c.2089+35C>T on transcript NM_021831.6 (MANE Select); 35 bases into the intron after coding-DNA position 2089, C replaced by T.
Molecular consequence: intron variant. On other transcripts: synonymous variant (1).
Genome position (GRCh38, 1-based): chr2:27,059,439, C>T. VCF-style: chr2-27059439-C-T. GRCh37 (hg19) VCF-style: chr2-27282307-C-T.
Other names: c.2124C>T, p.Phe708= (NM_001035507.3).
Identifiers: ClinVar variation 3040478 (VCV003040478.3), dbSNP rs780119171, ClinGen allele CA1568066.

ClinVar aggregate classification (germline): Likely benign. Review status: criteria provided, single submitter (1 of 4 stars). 2 submissions from 2 submitters: Likely benign (1). 1 of the submissions does not count toward it. Last evaluated 2022-05-19.

Conditions:
AGBL5-related disorder. Also called: AGBL5-related condition.

Allele frequency attached by ClinVar (database versions not stated): gnomAD 0.00002; ExAC 0.00003; gnomAD exomes 0.00003; TOPMed 0.00005.
gnomAD v4.1: 40 of 1,612,392 alleles (0.0025%); highest among the groups gnomAD compares: Admixed American, 0.028%; no homozygotes.

Submissions (2):

Blueprint Genetics
Classification: Likely benign. Last evaluated: 2022-05-19. Review status: criteria provided, single submitter. Criteria: ACMG Guidelines, 2015. Collection method: clinical testing. Allele origin: germline.

PreventionGenetics, part of Exact Sciences
Classification: Likely benign for AGBL5-related condition. Last evaluated: 2019-11-06. Review status: no assertion criteria provided. Collection method: clinical testing. Allele origin: germline. Not counted in ClinVar's aggregate classification.
Comment: This variant is classified as likely benign based on ACMG/AMP sequence variant interpretation guidelines (Richards et al. 2015 PMID: 25741868, with internal and published modifications).